The following is an entry in ClinVar:

NM_000548.5(TSC2):c.5371_5382del (p.Gly1791_Lys1794del)

Gene: TSC2 (TSC complex subunit 2; plus strand). Cytogenetic location: 16p13.3.
Variant type: Deletion.
Coding change: c.5371_5382del on transcript NM_000548.5 (MANE Select); coding-DNA positions 5371 to 5382, 12 bases deleted (GGCCAGCGGAAG).
Protein change: p.Gly1791_Lys1794del.
Molecular consequence: inframe deletion. On other transcripts: inframe indel (1), non-coding transcript variant (5).
Genome position (GRCh38, 1-based): chr16:2,088,557-2,088,568, GGCCAGCGGAAG deleted; deleting any 12 consecutive bases within chr16:2,088,556-2,088,568 gives the same sequence; the c. name uses the placement nearest the transcript's 3' end. VCF-style (leftmost placement, unchanged base first): chr16-2088555-TGGGCCAGCGGAA-T. GRCh37 (hg19) VCF-style: chr16-2138556-TGGGCCAGCGGAA-T.
Other names: c.5371_5382del12 (NM_000548.3); c.5170_5181del, p.Gly1724_Lys1727del (NM_001077183.3); c.5302_5313del, p.Gly1768_Lys1771del (NM_001114382.3); c.5062_5073del, p.Gly1688_Lys1691del (NM_001318827.2); c.5026_5037del, p.Gly1676_Lys1679del (NM_001318829.2); c.4639_4650del, p.Gly1547_Lys1550del (NM_001318831.2); c.5203_5214del, p.Gly1735_Lys1738del (NM_001318832.2); c.5173_5184del, p.Gly1725_Lys1728del (NM_001363528.2); and 28 more.
Identifiers: ClinVar variation 3232194 (VCV003232194.1), dbSNP rs2544517870, ClinGen allele CA2825002356.
Genomic context (GRCh38, chr16:2,088,555, plus strand): 5'-CTCCGTCCCATAGCAAAGCCCCTGCACAGACTCCAGCCGAGCCCACACCTGGCTATGAGG[TGGGCCAGCGGAA>T]GCGCCTCATCTCCTCGGTGGAGGACTTCACCGAGTTTGTGTGAGGCCGGGGCCCTCCCTC-3'

ClinVar aggregate classification (germline): Uncertain significance (1 of 4 stars; one submission).

Conditions:
Hereditary cancer-predisposing syndrome. Also called: Neoplastic Syndromes, Hereditary; Tumor predisposition; Hereditary neoplastic syndrome; Hereditary Cancer Syndrome. Identifiers: Orphanet 140162, MedGen C0027672, MeSH D009386, MONDO:0015356.

Submission:

Ambry Genetics
Classification: Uncertain significance for Hereditary cancer-predisposing syndrome. Last evaluated: 2023-09-28. Review status: criteria provided, single submitter. Criteria: Ambry Variant Classification Scheme 2023. Collection method: clinical testing. Allele origin: germline.
Comment: The c.5371_5382del12 variant (also known as p.G1791_K1794del) is located in coding exon 41 of the TSC2 gene. This variant results from an in-frame GGCCAGCGGAAG deletion at nucleotide positions 5371 to 5382. This results in the in-frame deletion of amino acids (GQRK) at codons 1791 to 1794. This amino acid region is well conserved in available vertebrate species. In addition, this alteration is predicted to be deleterious by in silico analysis (Choi Y et al. PLoS ONE. 2012; 7(10):e46688). Since supporting evidence is limited at this time, the clinical significance of this alteration remains unclear.